The following is an entry in ClinVar:

ClinVar aggregate classification (germline): Pathogenic/Likely pathogenic. Review status: criteria provided, multiple submitters, no conflicts (2 of 4 stars). 4 submissions from 4 submitters: Pathogenic (2); Likely pathogenic (2). Last evaluated 2026-06-08.

Conditions:
Epilepsy, familial focal, with variable foci 1 (FFEVF1). Also called: DEPDC5-Related Epilepsy. Identifiers: MedGen C4551983, MONDO:0024556, OMIM 604364.
Familial focal epilepsy with variable foci (FPEVF). Identifiers: Orphanet 98820, MedGen C1858477, MONDO:0020310.

Submissions (4):

GeneDx
Classification: Likely pathogenic. Last evaluated: 2026-06-08. Review status: criteria provided, single submitter. Criteria: GeneDx Variant Classification Process June 2021. Collection method: clinical testing. Allele origin: germline.
Comment: Nonsense variant predicted to result in protein truncation, as the last 103 amino acid(s) are lost, and other loss-of-function variants have been reported downstream in HGMD; Not observed at significant frequency in large population cohorts (gnomAD); This variant is associated with the following publications: (PMID: 31440721, 40613735, 41332841)

Labcorp Genetics (formerly Invitae), Labcorp
Classification: Pathogenic for Familial focal epilepsy with variable foci. Last evaluated: 2024-12-09. Review status: criteria provided, single submitter. Criteria: Invitae Variant Classification Sherloc (09022015). Collection method: clinical testing. Allele origin: germline.
Comment: This sequence change creates a premature translational stop signal (p.Gln1501*) in the DEPDC5 gene. While this is not anticipated to result in nonsense mediated decay, it is expected to disrupt the last 103 amino acid(s) of the DEPDC5 protein. This variant is not present in population databases (gnomAD no frequency). This variant has not been reported in the literature in individuals affected with DEPDC5-related conditions. ClinVar contains an entry for this variant (Variation ID: 645254). Algorithms developed to predict the effect of sequence changes on RNA splicing suggest that this variant may disrupt the consensus splice site. This variant disrupts a region of the DEPDC5 protein in which other variant(s) (p.Asp1565*) have been determined to be pathogenic (PMID: 28549235, 31639411). This suggests that this is a clinically significant region of the protein, and that variants that disrupt it are likely to be disease-causing. For these reasons, this variant has been classified as Pathogenic.

Women's Health and Genetics/Laboratory Corporation of America, LabCorp
Classification: Pathogenic for Epilepsy, familial focal, with variable foci 1. Last evaluated: 2023-09-19. Review status: criteria provided, single submitter. Criteria: LabCorp Variant Classification Summary - May 2015. Collection method: clinical testing. Allele origin: germline.
Comment: Variant summary: DEPDC5 c.4501C>T (p.Gln1501X) results in a premature termination codon in the penultimate exon of the gene and is predicted to cause a truncation of the encoded protein, a commonly known mechanism for disease. The variant was absent in 249484 control chromosomes (gnomAD). c.4501C>T has been reported in the literature in the heterozygous state in at least one individual affected with Epilepsy (e.g. Truty_2019). To our knowledge, no experimental evidence demonstrating an impact on protein function has been reported. However, variants downstream of this position have been classified as pathogenic in ClinVar and have been reported in individuals with epilepsy (HGMD database). The following publication has been ascertained in the context of this evaluation (PMID: 31440721). Two submitters have cited clinical-significance assessments for this variant to ClinVar after 2014. Both submitters classified the variant as pathogenic/likely pathogenic. Based on the evidence outlined above, the variant was classified as pathogenic.

Revvity Omics, Revvity
Classification: Likely pathogenic. Last evaluated: 2022-01-12. Review status: criteria provided, single submitter. Criteria: ACMG Guidelines, 2015. Collection method: clinical testing. Allele origin: germline.

Literature cited by the submitters: PubMed 28549235 (cited by Labcorp Genetics (formerly Invitae), Labcorp); PubMed 31639411 (cited by Labcorp Genetics (formerly Invitae), Labcorp); PubMed 31440721 (cited by Women's Health and Genetics/Laboratory Corporation of America, LabCorp).

NM_001242896.3(DEPDC5):c.4501C>T (p.Gln1501Ter)

Gene: DEPDC5 (DEP domain containing 5, GATOR1 subcomplex subunit; plus strand). Cytogenetic location: 22q12.3.
Variant type: single nucleotide variant.
Coding change: c.4501C>T on transcript NM_001242896.3 (MANE Select); coding-DNA position 4501, C replaced by T.
Protein change: p.Gln1501Ter; replaces glutamine 1501 with a stop codon.
Molecular consequence: nonsense. On other transcripts: non-coding transcript variant (5).
Genome position (GRCh38, 1-based): chr22:31,906,048, C>T. VCF-style: chr22-31906048-C-T. GRCh37 (hg19) VCF-style: chr22-32302034-C-T.
Other names: c.4474C>T, p.Gln1492Ter (NM_001136029.4); c.4201C>T, p.Gln1401Ter (NM_001242897.2); c.4435C>T, p.Gln1479Ter (NM_001363852.2, NM_001364320.2); c.4267C>T, p.Gln1423Ter (NM_001363854.2, NM_001364319.2); c.4501C>T, p.Gln1501Ter (NM_001364318.2); c.4417C>T, p.Gln1473Ter (NM_001369901.1, NM_001369902.1); c.4408C>T, p.Gln1470Ter (NM_001369903.1, NM_014662.6); short protein forms Q1470*, Q1501*, Q1401*, Q1423*, Q1492*, Q1479*, Q1473*.
Identifiers: ClinVar variation 645254 (VCV000645254.16), dbSNP rs1603014708, ClinGen allele CA411291927.
Genomic context (GRCh38, chr22:31,906,048, plus strand): 5'-GGGTTTGTACAAGATAAATATTCTGCCTCTGCTTTTAACTTCCCTGCTGAGAACAAGCCT[C>T]AGTATATCCACGTTACAGGTGAGGAGCTACGGGCAGAGTTGGGCAGGTGGGTCCACATCC-3'